The following is an entry in ClinVar:

NM_006915.3(RP2):c.5dup (p.Cys3fs)

Genes: RP2 (RP2 activator of ARL3 GTPase; plus strand), LOC130068202 (ATAC-STARR-seq lymphoblastoid active region 29577; plus strand). Cytogenetic location: Xp11.3.
Variant type: Duplication.
Coding change: c.5dup on transcript NM_006915.3 (MANE Select); coding-DNA position 5, one base duplicated (G; older notation c.5dupG).
Protein change: p.Cys3fs; shifts the reading frame from cysteine 3.
Molecular consequence: frameshift variant, initiator codon variant.
Genome position (GRCh38, 1-based): chrX:46,837,105, G duplicated; the last of 3 consecutive G bases (chrX:46,837,103-46,837,105); duplicating any one gives the same sequence. VCF-style (leftmost placement, unchanged base first): chrX-46837102-T-TG. GRCh37 (hg19) VCF-style: chrX-46696537-T-TG.
Other names: short protein forms C3fs.
Identifiers: ClinVar variation 4293627 (VCV004293627.1).

ClinVar aggregate classification (germline): Likely pathogenic (1 of 4 stars; one submission).

Conditions:
Retinitis pigmentosa 2 (RP2). Also called: Retinitis pigmentosa 2, X linked. Identifiers: Orphanet 791, MedGen C2681923, MONDO:0010723, OMIM 312600.

Submission:

3billion
Classification: Likely pathogenic for Retinitis pigmentosa 2. Last evaluated: 2024-08-29. Review status: criteria provided, single submitter. Criteria: ACMG Guidelines, 2015. Collection method: clinical testing. Allele origin: germline. Affected: yes.
Comment: The variant is not observed in the gnomAD v4.0.0 dataset. Predicted Consequence/Location: Frameshift: predicted to result in a loss or disruption of normal protein function through nonsense-mediated decay (NMD) or protein truncation. Multiple pathogenic variants are reported downstream of the variant. Therefore, this variant is classified as Likely pathogenic according to the recommendation of ACMG/AMP guideline.